The following is an entry in ClinVar:

ClinVar aggregate classification (germline): Uncertain significance. Review status: criteria provided, multiple submitters, no conflicts (2 of 4 stars). 2 submissions from 2 submitters: Uncertain significance (2). Last evaluated 2024-11-21.

Conditions:
Hypertrophic cardiomyopathy 19. Also called: Familial hypertrophic cardiomyopathy 19. Identifiers: MedGen CN077603, MONDO:0013476.

Allele frequency attached by ClinVar (database versions not stated): gnomAD exomes below 0.00001 and 0.00002; ExAC 0.00002; TOPMed 0.00003; gnomAD 0.00006; ESP Exome Variant Server 0.00015.
gnomAD v4.1: 14 of 1,614,016 alleles (0.00087%); highest among the groups gnomAD compares: African/African-American, 0.017%; no homozygotes.

Submissions (2):

Labcorp Genetics (formerly Invitae), Labcorp
Classification: Uncertain significance for Hypertrophic cardiomyopathy 19. Last evaluated: 2024-11-21. Review status: criteria provided, single submitter. Criteria: Invitae Variant Classification Sherloc (09022015). Collection method: clinical testing. Allele origin: germline.
Comment: This sequence change replaces glycine, which is neutral and non-polar, with alanine, which is neutral and non-polar, at codon 108 of the CALR3 protein (p.Gly108Ala). This variant is present in population databases (rs139061471, gnomAD 0.03%). This variant has not been reported in the literature in individuals affected with CALR3-related conditions. ClinVar contains an entry for this variant (Variation ID: 935420). Invitae Evidence Modeling of protein sequence and biophysical properties (such as structural, functional, and spatial information, amino acid conservation, physicochemical variation, residue mobility, and thermodynamic stability) indicates that this missense variant is not expected to disrupt CALR3 protein function with a negative predictive value of 80%. In summary, the available evidence is currently insufficient to determine the role of this variant in disease. Therefore, it has been classified as a Variant of Uncertain Significance.

Breakthrough Genomics
Classification: Uncertain significance. Review status: criteria provided, single submitter. Criteria: ACMG Guidelines, 2015. Collection method: not provided. Allele origin: germline. Inheritance: Autosomal dominant inheritance. Affected: yes.

NM_145046.5(CALR3):c.323G>C (p.Gly108Ala)

Gene: CALR3 (calreticulin 3; minus strand). Cytogenetic location: 19p13.11.
Variant type: single nucleotide variant.
Coding change: c.323G>C on transcript NM_145046.5 (MANE Select); coding-DNA position 323, G replaced by C.
Protein change: p.Gly108Ala; replaces glycine 108 with alanine.
Molecular consequence: missense variant.
Genome position (GRCh38, 1-based): chr19:16,490,441, C>G on the plus strand (G>C on the coding strand, the complement: CALR3 is on the minus strand). VCF-style: chr19-16490441-C-G. GRCh37 (hg19) VCF-style: chr19-16601252-C-G.
Other names: short protein forms G108A.
Identifiers: ClinVar variation 935420 (VCV000935420.10), dbSNP rs139061471, ClinGen allele CA9278443.